The following is an entry in ClinVar:

ClinVar aggregate classification (germline): Uncertain significance (1 of 4 stars; one submission).

Conditions:
Hereditary cancer-predisposing syndrome. Also called: Hereditary neoplastic syndrome; Neoplastic Syndromes, Hereditary; Tumor predisposition; Hereditary Cancer Syndrome. Identifiers: Orphanet 140162, MedGen C0027672, MeSH D009386, MONDO:0015356.

Submission:

Ambry Genetics
Classification: Uncertain significance for Hereditary cancer-predisposing syndrome. Last evaluated: 2025-08-27. Review status: criteria provided, single submitter. Criteria: Ambry Variant Classification Scheme 2023. Collection method: clinical testing. Allele origin: germline.
Comment: The p.Q29R variant (also known as c.86A>G), located in coding exon 2 of the MUTYH gene, results from an A to G substitution at nucleotide position 86. The glutamine at codon 29 is replaced by arginine, an amino acid with highly similar properties. This amino acid position is conserved. In addition, this alteration is predicted to be tolerated by in silico analysis. Based on the available evidence, the clinical significance of this variant remains unclear.

NM_001048174.2(MUTYH):c.44A>G (p.Gln15Arg)

Gene: MUTYH (mutY DNA glycosylase; minus strand). Cytogenetic location: 1p34.1.
Variant type: single nucleotide variant.
Coding change: c.44A>G on transcript NM_001048174.2 (MANE Select); coding-DNA position 44, A replaced by G.
Protein change: p.Gln15Arg; replaces glutamine 15 with arginine.
Molecular consequence: missense variant. On other transcripts: 5 prime UTR variant (7), non-coding transcript variant (7).
Genome position (GRCh38, 1-based): chr1:45,334,462, T>C on the plus strand (A>G on the coding strand, the complement: MUTYH is on the minus strand). VCF-style: chr1-45334462-T-C. GRCh37 (hg19) VCF-style: chr1-45800134-T-C.
Other names: c.44A>G, p.Gln15Arg (NM_001048171.2, NM_001048172.2, NM_001048173.2 and 15 more transcripts); c.86A>G, p.Gln29Arg (NM_001128425.2, NM_001293190.2, NM_001407069.1 and 2 more transcripts); c.-169A>G (NM_001293192.2, NM_001293196.2, NM_001407091.1); c.-228A>G (NM_001350650.2); c.-164A>G (NM_001350651.2, NM_001407082.1); c.-113A>G (NM_001407075.1); c.62A>G, p.Gln21Arg (NM_001407087.1); short protein forms Q21R, Q15R, Q29R.
Identifiers: ClinVar variation 4113870 (VCV004113870.1).
Genomic context (GRCh38, chr1:45,334,462, plus strand): 5'-GAAGGCTTGGCCTGACTGTTGTTCTTAGCATGCTTCTGCCTCCCTTCCTGGCTGGCTGCC[T>C]GCTTCCTGTGACCACTTCCCACGGCTGCTCGTGGCTTCCTCATGATGGCCTGAAACAAAA-3'
Protein context (NP_001041639.1, residues 5-25): RAAVGSGHRK[Gln15Arg]AASQEGRQKH